The following is an entry in ClinVar:

ClinVar aggregate classification (germline): Uncertain significance (1 of 4 stars; one submission).

Submission:

Ambry Genetics
Classification: Uncertain significance. Last evaluated: 2025-04-25. Review status: criteria provided, single submitter. Criteria: Ambry Variant Classification Scheme 2023. Collection method: clinical testing. Allele origin: germline.
Comment: The p.S385A variant (also known as c.1153T>G), located in coding exon 11 of the SRP72 gene, results from a T to G substitution at nucleotide position 1153. The serine at codon 385 is replaced by alanine, an amino acid with similar properties. This amino acid position is conserved. In addition, this alteration is predicted to be tolerated by in silico analysis. Based on the available evidence, the clinical significance of this variant remains unclear.

NM_006947.4(SRP72):c.1153T>G (p.Ser385Ala)

Gene: SRP72 (signal recognition particle 72; plus strand). Cytogenetic location: 4q12.
Variant type: single nucleotide variant.
Coding change: c.1153T>G on transcript NM_006947.4 (MANE Select); coding-DNA position 1153, T replaced by G.
Protein change: p.Ser385Ala; replaces serine 385 with alanine.
Molecular consequence: missense variant. On other transcripts: non-coding transcript variant (1).
Genome position (GRCh38, 1-based): chr4:56,486,391, T>G. VCF-style: chr4-56486391-T-G. GRCh37 (hg19) VCF-style: chr4-57352557-T-G.
Other names: c.970T>G, p.Ser324Ala (NM_001267722.2); short protein forms S324A, S385A.
Identifiers: ClinVar variation 3962083 (VCV003962083.1).